The following is an entry in ClinVar:

NM_004415.4(DSP):c.6720G>T (p.Gln2240His)

Gene: DSP (desmoplakin; plus strand). Cytogenetic location: 6p24.3.
Variant type: single nucleotide variant.
Coding change: c.6720G>T on transcript NM_004415.4 (MANE Select); coding-DNA position 6720, G replaced by T.
Protein change: p.Gln2240His; replaces glutamine 2240 with histidine.
Molecular consequence: missense variant.
Genome position (GRCh38, 1-based): chr6:7,583,982, G>T. VCF-style: chr6-7583982-G-T. GRCh37 (hg19) VCF-style: chr6-7584215-G-T.
Other names: c.4923G>T, p.Gln1641His (NM_001008844.3); c.5391G>T, p.Gln1797His (NM_001319034.2); short protein forms Q1797H, Q1641H, Q2240H.
Identifiers: ClinVar variation 2453263 (VCV002453263.2), dbSNP rs2533942549, ClinGen allele CA362691400.

ClinVar aggregate classification (germline): Uncertain significance (1 of 4 stars; one submission).

Conditions:
Cardiovascular phenotype. Identifiers: MedGen CN230736.

Allele frequency attached by ClinVar (database versions not stated): gnomAD exomes below 0.00001.
gnomAD v4.1: 1 of 1,614,212 alleles (0.000062%); highest among the groups gnomAD compares: East Asian, 0.0022%; no homozygotes.

Submission:

Ambry Genetics
Classification: Uncertain significance for Cardiovascular phenotype. Last evaluated: 2023-02-17. Review status: criteria provided, single submitter. Criteria: Ambry Variant Classification Scheme 2023. Collection method: clinical testing. Allele origin: germline.
Comment: The p.Q2240H variant (also known as c.6720G>T), located in coding exon 24 of the DSP gene, results from a G to T substitution at nucleotide position 6720. The glutamine at codon 2240 is replaced by histidine, an amino acid with highly similar properties. This amino acid position is conserved. In addition, this alteration is predicted to be tolerated by in silico analysis. Since supporting evidence is limited at this time, the clinical significance of this alteration remains unclear.